The following is an entry in ClinVar:

NM_004092.4(ECHS1):c.224C>G (p.Thr75Ser)

Gene: ECHS1 (enoyl-CoA hydratase, short chain 1; minus strand). Cytogenetic location: 10q26.3.
Variant type: single nucleotide variant.
Coding change: c.224C>G on transcript NM_004092.4 (MANE Select); coding-DNA position 224, C replaced by G.
Protein change: p.Thr75Ser; replaces threonine 75 with serine.
Molecular consequence: missense variant.
Genome position (GRCh38, 1-based): chr10:133,370,622, G>C on the plus strand (C>G on the coding strand, the complement: ECHS1 is on the minus strand). VCF-style: chr10-133370622-G-C. GRCh37 (hg19) VCF-style: chr10-135184126-G-C.
Other names: short protein forms T75S.
Identifiers: ClinVar variation 1392161 (VCV001392161.6), dbSNP rs1049951, ClinGen allele CA378822960.

ClinVar aggregate classification (germline): Uncertain significance (1 of 4 stars; one submission).

Submission:

Labcorp Genetics (formerly Invitae), Labcorp
Classification: Uncertain significance. Last evaluated: 2021-11-23. Review status: criteria provided, single submitter. Criteria: Invitae Variant Classification Sherloc (09022015). Collection method: clinical testing. Allele origin: germline.
Comment: In summary, the available evidence is currently insufficient to determine the role of this variant in disease. Therefore, it has been classified as a Variant of Uncertain Significance. Advanced modeling of protein sequence and biophysical properties (such as structural, functional, and spatial information, amino acid conservation, physicochemical variation, residue mobility, and thermodynamic stability) performed at Invitae indicates that this missense variant is not expected to disrupt ECHS1 protein function. This variant has not been reported in the literature in individuals affected with ECHS1-related conditions. This variant is not present in population databases (gnomAD no frequency). This sequence change replaces threonine, which is neutral and polar, with serine, which is neutral and polar, at codon 75 of the ECHS1 protein (p.Thr75Ser).